The following is an entry in ClinVar:

NM_000350.3(ABCA4):c.463G>A (p.Asp155Asn)

Gene: ABCA4 (ATP binding cassette subfamily A member 4; minus strand). Cytogenetic location: 1p22.1.
Variant type: single nucleotide variant.
Coding change: c.463G>A on transcript NM_000350.3 (MANE Select); coding-DNA position 463, G replaced by A.
Protein change: p.Asp155Asn; replaces aspartic acid 155 with asparagine.
Molecular consequence: missense variant.
Genome position (GRCh38, 1-based): chr1:94,103,122, C>T on the plus strand (G>A on the coding strand, the complement: ABCA4 is on the minus strand). VCF-style: chr1-94103122-C-T. GRCh37 (hg19) VCF-style: chr1-94568678-C-T.
Other names: c.463G>A, p.Asp155Asn (NM_001425324.1); short protein forms D155N.
Identifiers: ClinVar variation 806169 (VCV000806169.45), dbSNP rs1570426424, ClinGen allele CA341291342.

ClinVar aggregate classification (germline): Conflicting classifications of pathogenicity. Review status: criteria provided, conflicting classifications (1 of 4 stars). 3 submissions from 3 submitters: Pathogenic (1); Uncertain significance (2). Last evaluated 2024-12-08.

Conditions:
Isolated macular dystrophy. Identifiers: Orphanet 519302, MedGen C5681367, MONDO:0957048.

Allele frequency attached by ClinVar (database versions not stated): gnomAD exomes below 0.00001; gnomAD 0.00001.
gnomAD v4.1: 2 of 1,613,894 alleles (0.00012%); highest among the groups gnomAD compares: Non-Finnish European, 0.00017%; no homozygotes.

Submissions (3):

Labcorp Genetics (formerly Invitae), Labcorp
Classification: Uncertain significance. Last evaluated: 2024-12-08. Review status: criteria provided, single submitter. Criteria: Invitae Variant Classification Sherloc (09022015). Collection method: clinical testing. Allele origin: germline.
Comment: This sequence change replaces aspartic acid, which is acidic and polar, with asparagine, which is neutral and polar, at codon 155 of the ABCA4 protein (p.Asp155Asn). This variant is not present in population databases (gnomAD no frequency). This missense change has been observed in individual(s) with ABCA4-related conditions (PMID: 32531858, 35120629). ClinVar contains an entry for this variant (Variation ID: 806169). An algorithm developed to predict the effect of missense changes on protein structure and function outputs the following: PolyPhen-2: "Benign". The asparagine amino acid residue is found in multiple mammalian species, which suggests that this missense change does not adversely affect protein function. This variant disrupts the p.Asp155 amino acid residue in ABCA4. Other variant(s) that disrupt this residue have been determined to be pathogenic (PMID: 28559085). This suggests that this residue is clinically significant, and that variants that disrupt this residue are likely to be disease-causing. In summary, the available evidence is currently insufficient to determine the role of this variant in disease. Therefore, it has been classified as a Variant of Uncertain Significance.

Molecular Genetics Laboratory, Institute for Ophthalmic Research
Classification: Pathogenic for Isolated macular dystrophy. Last evaluated: 2020-01-09. Review status: criteria provided, single submitter. Criteria: ACMG Guidelines, 2015. Collection method: research. Allele origin: germline. Affected: yes.

CeGaT Center for Human Genetics Tuebingen
Classification: Uncertain significance. Last evaluated: 2019-01-01. Review status: criteria provided, single submitter. Criteria: CeGaT Center For Human Genetics Tuebingen Variant Classification Criteria Version 2. Collection method: clinical testing. Allele origin: germline. Affected: yes. Observed: 1 variant allele.

Literature cited by the submitters: PubMed 32531858 (cited by Labcorp Genetics (formerly Invitae), Labcorp); PubMed 35120629 (cited by Labcorp Genetics (formerly Invitae), Labcorp); PubMed 28559085 (cited by Labcorp Genetics (formerly Invitae), Labcorp).